The following is an entry in ClinVar:

NM_206943.4(LTBP1):c.3062A>T (p.Gln1021Leu)

Gene: LTBP1 (latent transforming growth factor beta binding protein 1; plus strand). Cytogenetic location: 2p22.3.
Variant type: single nucleotide variant.
Coding change: c.3062A>T on transcript NM_206943.4 (MANE Select); coding-DNA position 3062, A replaced by T.
Protein change: p.Gln1021Leu; replaces glutamine 1021 with leucine.
Molecular consequence: missense variant. On other transcripts: intron variant (2).
Genome position (GRCh38, 1-based): chr2:33,280,108, A>T. VCF-style: chr2-33280108-A-T. GRCh37 (hg19) VCF-style: chr2-33505175-A-T.
Other names: c.2000A>T, p.Gln667Leu (NM_001394915.1); c.1841A>T, p.Gln614Leu (NM_001394916.1); c.1958A>T, p.Gln653Leu (NM_001394917.1, NM_001394909.1); c.2084A>T, p.Gln695Leu (NM_001394918.1, NM_001394912.1, NM_000627.4 and 1 more transcripts); c.2081A>T, p.Gln694Leu (NM_001394919.1, NM_001394906.1, NM_001394910.1); c.1799A>T, p.Gln600Leu (NM_001394920.1, NM_001394924.1, NM_001394926.1 and 1 more transcripts); c.1922A>T, p.Gln641Leu (NM_001394921.1, NM_001394913.1); c.1925A>T, p.Gln642Leu (NM_001394925.1, NM_001166265.2, NM_001166266.2); and 6 more; short protein forms Q1021L, Q652L, Q653L, Q968L, Q614L, Q625L, Q666L, Q694L.
Identifiers: ClinVar variation 3121411 (VCV003121411.8), dbSNP rs149445442, ClinGen allele CA1607608.

ClinVar aggregate classification (germline): Uncertain significance. Review status: criteria provided, multiple submitters, no conflicts (2 of 4 stars). 2 submissions from 2 submitters: Uncertain significance (2). Last evaluated 2025-10-01.

Allele frequency attached by ClinVar (database versions not stated): ExAC 0.00030; ESP Exome Variant Server 0.00038; TOPMed 0.00048; gnomAD 0.00050.
gnomAD v4.1: 1,192 of 1,614,016 alleles (0.074%); highest among the groups gnomAD compares: Non-Finnish European, 0.095%; 1 homozygote.

Submissions (2):

CeGaT Center for Human Genetics Tuebingen
Classification: Uncertain significance. Last evaluated: 2025-10-01. Review status: criteria provided, single submitter. Criteria: CeGaT Center For Human Genetics Tuebingen Variant Classification Criteria Version 2. Collection method: clinical testing. Allele origin: germline. Affected: yes. Observed: 1 variant allele.
Comment: LTBP1: PM2, BP4

Ambry Genetics
Classification: Uncertain significance. Last evaluated: 2025-03-17. Review status: criteria provided, single submitter. Criteria: Ambry Variant Classification Scheme 2023. Collection method: clinical testing. Allele origin: germline.